The following is an entry in ClinVar:

NM_003200.5(TCF3):c.1504A>G (p.Lys502Glu)

Gene: TCF3 (transcription factor 3; minus strand). Cytogenetic location: 19p13.3.
Variant type: single nucleotide variant.
Coding change: c.1504A>G on transcript NM_003200.5 (MANE Select); coding-DNA position 1504, A replaced by G.
Protein change: p.Lys502Glu; replaces lysine 502 with glutamic acid.
Molecular consequence: missense variant.
Genome position (GRCh38, 1-based): chr19:1,615,768, T>C on the plus strand (A>G on the coding strand, the complement: TCF3 is on the minus strand). VCF-style: chr19-1615768-T-C. GRCh37 (hg19) VCF-style: chr19-1615767-T-C.
Other names: c.1504A>G, p.Lys502Glu (NM_001136139.4, NM_001351779.2); c.1501A>G, p.Lys501Glu (NM_001351778.2); c.1504A>G (NM_003200.3); short protein forms K502E, K501E.
Identifiers: ClinVar variation 1360538 (VCV001360538.7), dbSNP rs190995532, ClinGen allele CA9049793.

ClinVar aggregate classification (germline): Uncertain significance. Review status: criteria provided, multiple submitters, no conflicts (2 of 4 stars). 2 submissions from 2 submitters: Uncertain significance (2). Last evaluated 2026-01-19.

Conditions:
Inborn genetic diseases. Identifiers: MedGen C0950123, MeSH D030342.

Allele frequency attached by ClinVar (database versions not stated): gnomAD 0.00006 and 0.00007; gnomAD exomes 0.00008 and 0.00009; ExAC 0.00009; TOPMed 0.00009; ESP Exome Variant Server 0.00015; 1000 Genomes Project 30x 0.00016; 1000 Genomes Project 0.00020.
gnomAD v4.1: 135 of 1,600,530 alleles (0.0084%); highest among the groups gnomAD compares: Middle Eastern, 0.017%; no homozygotes.

Submissions (2):

Labcorp Genetics (formerly Invitae), Labcorp
Classification: Uncertain significance. Last evaluated: 2026-01-19. Review status: criteria provided, single submitter. Criteria: Invitae Variant Classification Sherloc (09022015). Collection method: clinical testing. Allele origin: germline.
Comment: This sequence change replaces lysine, which is basic and polar, with glutamic acid, which is acidic and polar, at codon 502 of the TCF3 protein (p.Lys502Glu). This variant is present in population databases (rs190995532, gnomAD 0.03%). This variant has not been reported in the literature in individuals affected with TCF3-related conditions. ClinVar contains an entry for this variant (Variation ID: 1360538). Invitae Evidence Modeling of protein sequence and biophysical properties (such as structural, functional, and spatial information, amino acid conservation, physicochemical variation, residue mobility, and thermodynamic stability) indicates that this missense variant is not expected to disrupt TCF3 protein function with a negative predictive value of 80%. In summary, the available evidence is currently insufficient to determine the role of this variant in disease. Therefore, it has been classified as a Variant of Uncertain Significance.

Ambry Genetics
Classification: Uncertain significance for Inborn genetic diseases. Last evaluated: 2025-08-07. Review status: criteria provided, single submitter. Criteria: Ambry Variant Classification Scheme 2023. Collection method: clinical testing. Allele origin: germline.